The following is an entry in ClinVar:

NM_004606.5(TAF1):c.4519G>A (p.Ala1507Thr)

Gene: TAF1 (TATA-box binding protein associated factor 1; plus strand). Cytogenetic location: Xq13.1.
Variant type: single nucleotide variant.
Coding change: c.4519G>A on transcript NM_004606.5 (MANE Select); coding-DNA position 4519, G replaced by A.
Protein change: p.Ala1507Thr; replaces alanine 1507 with threonine.
Molecular consequence: missense variant. On other transcripts: non-coding transcript variant (9).
Genome position (GRCh38, 1-based): chrX:71,423,183, G>A. VCF-style: chrX-71423183-G-A. GRCh37 (hg19) VCF-style: chrX-70643033-G-A.
Other names: c.4519G>A, p.Ala1507Thr (NM_001286074.2); c.4456G>A, p.Ala1486Thr (NM_138923.4); short protein forms A1486T, A1507T.
Identifiers: ClinVar variation 2662759 (VCV002662759.1), dbSNP rs2521618471, ClinGen allele CA413541673.
Genomic context (GRCh38, chrX:71,423,183, plus strand): 5'-GACAAATTAGCTCGCTTAGAGAAAGCTATCAACCCCTTGCTGGATGATGATGACCAAGTG[G>A]CGTTTTCTTTCATTCTGGACAACATTGTCACCCAGAAAATGATGGCAGTTCCAGATGTAA-3'
Protein context (NP_004597.3, residues 1497-1517): NPLLDDDDQV[Ala1507Thr]FSFILDNIVT

ClinVar aggregate classification (germline): Uncertain significance (1 of 4 stars; one submission).

Submission:

GeneDx
Classification: Uncertain significance. Last evaluated: 2023-04-03. Review status: criteria provided, single submitter. Criteria: GeneDx Variant Classification Process June 2021. Collection method: clinical testing. Allele origin: germline. Affected: yes.
Comment: Not observed at significant frequency in large population cohorts (gnomAD); In silico analysis supports that this missense variant has a deleterious effect on protein structure/function; Has not been previously published as pathogenic or benign to our knowledge